The following is an entry in ClinVar:

ClinVar aggregate classification (germline): Uncertain significance (1 of 4 stars; one submission).

Conditions:
Hyperphosphatasia with impaired intellectual development syndrome 2. Also called: GLYCOSYLPHOSPHATIDYLINOSITOL BIOSYNTHESIS DEFECT 6; Hyperphosphatasia with intellectual disability syndrome 2. Identifiers: Orphanet 247262, MedGen C3553637, MONDO:0013882, OMIM 614749.

Submission:

Labcorp Genetics (formerly Invitae), Labcorp
Classification: Uncertain significance for Hyperphosphatasia with impaired intellectual development syndrome 2. Last evaluated: 2022-06-23. Review status: criteria provided, single submitter. Criteria: Invitae Variant Classification Sherloc (09022015). Collection method: clinical testing. Allele origin: germline.
Comment: Algorithms developed to predict the effect of missense changes on protein structure and function are either unavailable or do not agree on the potential impact of this missense change (SIFT: "Tolerated"; PolyPhen-2: "Possibly Damaging"; Align-GVGD: "Class C0"). This variant has not been reported in the literature in individuals affected with PIGO-related conditions. This variant is not present in population databases (gnomAD no frequency). This sequence change replaces alanine, which is neutral and non-polar, with threonine, which is neutral and polar, at codon 791 of the PIGO protein (p.Ala791Thr). In summary, the available evidence is currently insufficient to determine the role of this variant in disease. Therefore, it has been classified as a Variant of Uncertain Significance.

NM_032634.4(PIGO):c.2371G>A (p.Ala791Thr)

Gene: PIGO (phosphatidylinositol glycan anchor biosynthesis class O; minus strand). Cytogenetic location: 9p13.3.
Variant type: single nucleotide variant.
Coding change: c.2371G>A on transcript NM_032634.4 (MANE Select); coding-DNA position 2371, G replaced by A.
Protein change: p.Ala791Thr; replaces alanine 791 with threonine.
Molecular consequence: missense variant. On other transcripts: intron variant (2).
Genome position (GRCh38, 1-based): chr9:35,091,516, C>T on the plus strand (G>A on the coding strand, the complement: PIGO is on the minus strand). VCF-style: chr9-35091516-C-T. GRCh37 (hg19) VCF-style: chr9-35091513-C-T.
Other names: c.1345-225G>A (NM_152850.4, NM_001201484.2); short protein forms A791T.
Identifiers: ClinVar variation 2009868 (VCV002009868.4), dbSNP rs2490446198, ClinGen allele CA373320050.